The following is an entry in ClinVar:

NM_000051.4(ATM):c.8554T>C (p.Tyr2852His)

Genes: ATM (ATM serine/threonine kinase; plus strand), C11orf65 (chromosome 11 open reading frame 65; minus strand). Cytogenetic location: 11q22.3.
Variant type: single nucleotide variant.
Coding change: c.8554T>C on transcript NM_000051.4 (MANE Select); coding-DNA position 8554, T replaced by C.
Protein change: p.Tyr2852His; replaces tyrosine 2852 with histidine.
Molecular consequence: missense variant. On other transcripts: intron variant (2).
Genome position (GRCh38, 1-based): chr11:108,345,878, T>C. VCF-style: chr11-108345878-T-C. GRCh37 (hg19) VCF-style: chr11-108216605-T-C.
Other names: c.8554T>C, p.Tyr2852His (NM_001351834.2); c.641-36807A>G (NM_001330368.2); c.695-10586A>G (NM_001351110.2); short protein forms Y2852H.
Identifiers: ClinVar variation 419790 (VCV000419790.9), dbSNP rs1064794108, ClinGen allele CA16619262.

ClinVar aggregate classification (germline): Uncertain significance. Review status: criteria provided, multiple submitters, no conflicts (2 of 4 stars). 2 submissions from 2 submitters: Uncertain significance (2). Last evaluated 2022-03-26.

Conditions:
Ataxia-telangiectasia syndrome (AT). Also called: LOUIS-BAR SYNDROME; Cerebello-oculocutaneous telangiectasia; Immunodeficiency with ataxia telangiectasia; Ataxia-telangiectasia, complementation group D; AT, COMPLEMENTATION GROUP C; Ataxia-telangiectasia, complementation group E. Identifiers: Orphanet 100, MedGen C0004135, MONDO:0008840, OMIM 208900.

Submissions (2):

Labcorp Genetics (formerly Invitae), Labcorp
Classification: Uncertain significance for Ataxia-telangiectasia syndrome. Last evaluated: 2022-03-26. Review status: criteria provided, single submitter. Criteria: Invitae Variant Classification Sherloc (09022015). Collection method: clinical testing. Allele origin: germline.
Comment: In summary, the available evidence is currently insufficient to determine the role of this variant in disease. Therefore, it has been classified as a Variant of Uncertain Significance. Advanced modeling of protein sequence and biophysical properties (such as structural, functional, and spatial information, amino acid conservation, physicochemical variation, residue mobility, and thermodynamic stability) performed at Invitae indicates that this missense variant is expected to disrupt ATM protein function. ClinVar contains an entry for this variant (Variation ID: 419790). This variant has not been reported in the literature in individuals affected with ATM-related conditions. This variant is not present in population databases (gnomAD no frequency). This sequence change replaces tyrosine, which is neutral and polar, with histidine, which is basic and polar, at codon 2852 of the ATM protein (p.Tyr2852His).

GeneDx
Classification: Uncertain significance. Last evaluated: 2015-09-08. Review status: criteria provided, single submitter. Criteria: GeneDx Variant Classification (06012015). Collection method: clinical testing. Allele origin: germline. Affected: yes.
Comment: This variant is denoted ATM c.8554T>C at the cDNA level, p.Tyr2852His (Y2852H) at the protein level, and results in the change of a Tyrosine to a Histidine (TAT>CAT). This variant has not, to our knowledge, been published in the literature as pathogenic or benign. ATM Tyr2852His was not observed in approximately 6,500 individuals of European and African American ancestry in the NHLBI Exome Sequencing Project, indicating it is not a common benign variant in these populations. Since Tyrosine and Histidine differ in polarity, charge, size or other properties, this is considered a non-conservative amino acid substitution. ATM Tyr2852His occurs at a position that is conserved across species and is located in the kinase domain (Stracker 2013, Tavtigian 2009). In silico analyses predict that this variant is probably damaging to protein structure and function. Based on currently available information, it is unclear whether ATM Tyr2852His is pathogenic or benign. We consider it to be a variant of uncertain significance.